The following is an entry in ClinVar:

ClinVar aggregate classification (germline): Uncertain significance (1 of 4 stars; one submission).

Conditions:
Myofibrillar myopathy 4. Also called: Zaspopathy (type). Identifiers: Orphanet 98912, MedGen C4721886, MONDO:0012277, OMIM 609452.

Submission:

Labcorp Genetics (formerly Invitae), Labcorp
Classification: Uncertain significance for Myofibrillar myopathy 4. Last evaluated: 2025-06-22. Review status: criteria provided, single submitter. Criteria: Invitae Variant Classification Sherloc (09022015). Collection method: clinical testing. Allele origin: germline.
Comment: The LDB3 gene has multiple clinically relevant transcripts. This variant occurs in alternate transcript NM_007078.3, and corresponds to NM_001080116.1:c.321+1297A>G in the primary transcript. This sequence change replaces asparagine, which is neutral and polar, with aspartic acid, which is acidic and polar, at codon 114 of the LDB3 protein (p.Asn114Asp). This variant is not present in population databases (gnomAD no frequency). This variant has not been reported in the literature in individuals affected with LDB3-related conditions. Experimental studies and prediction algorithms are not available or were not evaluated, and the functional significance of this variant is currently unknown. Algorithms developed to predict the effect of sequence changes on RNA splicing suggest that this variant is not likely to affect RNA splicing. In summary, the available evidence is currently insufficient to determine the role of this variant in disease. Therefore, it has been classified as a Variant of Uncertain Significance.

NM_007078.3(LDB3):c.340A>G (p.Asn114Asp)

Gene: LDB3 (LIM domain binding 3; plus strand). Cytogenetic location: 10q23.2.
Variant type: single nucleotide variant.
Coding change: c.340A>G on transcript NM_007078.3 (MANE Select); coding-DNA position 340, A replaced by G.
Protein change: p.Asn114Asp; replaces asparagine 114 with aspartic acid.
Molecular consequence: missense variant. On other transcripts: intron variant (5).
Genome position (GRCh38, 1-based): chr10:86,681,454, A>G. VCF-style: chr10-86681454-A-G. GRCh37 (hg19) VCF-style: chr10-88441211-A-G.
Other names: c.340A>G, p.Asn114Asp (NM_001080115.2, NM_001171610.2, NM_001171611.2 and 3 more transcripts); c.321+1297A>G (NM_001368068.1, NM_001368066.1, NM_001080114.2 and 2 more transcripts); short protein forms N114D.
Identifiers: ClinVar variation 4742906 (VCV004742906.1).
Genomic context (GRCh38, chr10:86,681,454, plus strand): 5'-CCGCTCTCTTCTCTCTCCCCTGCATGGCCTGCCCTGTGCCAGGACCCCGCTCTGGACACG[A>G]ACGGCAGCCTGGTGGCACCCAGCCCCAGCCCTGAGGCGAGGGCCAGCCCAGGCACCCCAG-3'
Protein context (NP_009009.1, residues 104-124): PHQKDPALDT[Asn114Asp]GSLVAPSPSP